The following is an entry in ClinVar:

NM_212482.4(FN1):c.519A>G (p.Gly173=)

Gene: FN1 (fibronectin 1; minus strand). Cytogenetic location: 2q35.
Variant type: single nucleotide variant.
Coding change: c.519A>G on transcript NM_212482.4 (MANE Select); coding-DNA position 519, A replaced by G.
Protein change: p.Gly173=; no amino-acid change (glycine 173 retained).
Molecular consequence: synonymous variant.
Genome position (GRCh38, 1-based): chr2:215,431,861, T>C on the plus strand (A>G on the coding strand, the complement: FN1 is on the minus strand). VCF-style: chr2-215431861-T-C. GRCh37 (hg19) VCF-style: chr2-216296584-T-C.
Other names: c.519A>G, p.Gly173= (NM_001365521.2, NM_001365522.2, NM_001365523.2 and 14 more transcripts); c.519A>G (NM_212482.2).
Identifiers: ClinVar variation 1099792 (VCV001099792.11), dbSNP rs772613670, ClinGen allele CA2095540.

ClinVar aggregate classification (germline): Likely benign. Review status: criteria provided, single submitter (1 of 4 stars). 2 submissions from 2 submitters: Likely benign (1). 1 of the submissions does not count toward it. Last evaluated 2025-06-12.

Conditions:
FN1-related disorder. Also called: FN1-related condition.

Allele frequency attached by ClinVar (database versions not stated): gnomAD exomes below 0.00001 and 0.00002; ExAC 0.00002; TOPMed 0.00008; gnomAD 0.00010 and 0.00011.
gnomAD v4.1: 20 of 1,614,026 alleles (0.0012%); highest among the groups gnomAD compares: African/African-American, 0.027%; no homozygotes.

Submissions (2):

Labcorp Genetics (formerly Invitae), Labcorp
Classification: Likely benign. Last evaluated: 2025-06-12. Review status: criteria provided, single submitter. Criteria: Invitae Variant Classification Sherloc (09022015). Collection method: clinical testing. Allele origin: germline.

PreventionGenetics, part of Exact Sciences
Classification: Likely benign for FN1-related condition. Last evaluated: 2019-03-06. Review status: no assertion criteria provided. Collection method: clinical testing. Allele origin: germline. Not counted in ClinVar's aggregate classification.
Comment: This variant is classified as likely benign based on ACMG/AMP sequence variant interpretation guidelines (Richards et al. 2015 PMID: 25741868, with internal and published modifications).